The following is an entry in ClinVar:

ClinVar aggregate classification (germline): Uncertain significance (1 of 4 stars; one submission).

Conditions:
Ehlers-Danlos syndrome, classic type, 1 (EDSCL1). Also called: EHLERS-DANLOS SYNDROME, GRAVIS TYPE; EHLERS-DANLOS SYNDROME, SEVERE CLASSIC TYPE; Ehlers-Danlos syndrome, type 1; Ehlers-Danlos Syndrome, Classic Type, COL5A1-Related; EDS I. Identifiers: MedGen C0268335, MONDO:0019567, OMIM 130000.

Submission:

Labcorp Genetics (formerly Invitae), Labcorp
Classification: Uncertain significance for Ehlers-Danlos syndrome, classic type, 1. Last evaluated: 2025-06-06. Review status: criteria provided, single submitter. Criteria: Invitae Variant Classification Sherloc (09022015). Collection method: clinical testing. Allele origin: germline.
Comment: This sequence change replaces glutamine, which is neutral and polar, with histidine, which is basic and polar, at codon 1373 of the COL5A1 protein (p.Gln1373His). This variant is not present in population databases (gnomAD no frequency). This variant has not been reported in the literature in individuals affected with COL5A1-related conditions. Invitae Evidence Modeling of protein sequence and biophysical properties (such as structural, functional, and spatial information, amino acid conservation, physicochemical variation, residue mobility, and thermodynamic stability) indicates that this missense variant is not expected to disrupt COL5A1 protein function with a negative predictive value of 95%. In summary, the available evidence is currently insufficient to determine the role of this variant in disease. Therefore, it has been classified as a Variant of Uncertain Significance.

NM_000093.5(COL5A1):c.4119G>T (p.Gln1373His)

Gene: COL5A1 (collagen type V alpha 1 chain; plus strand). Cytogenetic location: 9q34.3.
Variant type: single nucleotide variant.
Coding change: c.4119G>T on transcript NM_000093.5 (MANE Select); coding-DNA position 4119, G replaced by T.
Protein change: p.Gln1373His; replaces glutamine 1373 with histidine.
Molecular consequence: missense variant.
Genome position (GRCh38, 1-based): chr9:134,815,985, G>T. VCF-style: chr9-134815985-G-T. GRCh37 (hg19) VCF-style: chr9-137707831-G-T.
Other names: c.4119G>T, p.Gln1373His (NM_001278074.1); short protein forms Q1373H.
Identifiers: ClinVar variation 4746353 (VCV004746353.1).